The following is an entry in ClinVar:

NM_000202.8(IDS):c.359C>T (p.Pro120Leu)

Gene: IDS (iduronate 2-sulfatase; minus strand). Cytogenetic location: Xq28.
Variant type: single nucleotide variant.
Coding change: c.359C>T on transcript NM_000202.8 (MANE Select); coding-DNA position 359, C replaced by T.
Protein change: p.Pro120Leu; replaces proline 120 with leucine.
Molecular consequence: missense variant. On other transcripts: non-coding transcript variant (1).
Genome position (GRCh38, 1-based): chrX:149,503,371, G>A on the plus strand (C>T on the coding strand, the complement: IDS is on the minus strand). VCF-style: chrX-149503371-G-A. GRCh37 (hg19) VCF-style: chrX-148584901-G-A.
Other names: c.89C>T, p.Pro30Leu (NM_001166550.4); c.359C>T, p.Pro120Leu (NM_006123.5); short protein forms P120L, P30L.
Identifiers: ClinVar variation 4078970 (VCV004078970.2).
Genomic context (GRCh38, chrX:149,503,371, plus strand): 5'-CCAGGGTGAAAGACTTTTCCCACCGACATGGTCACATAGCCATTCTCCTTGAAGTACTGG[G>A]GGATGGTGGAGAAGTTTCCAGCGTGCACCCTCCAGTAGGAGTTGAAGTCGTACAGGCGGG-3'
Protein context (NP_000193.1, residues 110-130): RVHAGNFSTI[Pro120Leu]QYFKENGYVT

ClinVar aggregate classification (germline): Conflicting classifications of pathogenicity. Review status: criteria provided, conflicting classifications (1 of 4 stars). 2 submissions from 2 submitters: Likely pathogenic (1); Uncertain significance (1). Last evaluated 2025-03-26.

Conditions:
Mucopolysaccharidosis, MPS-II (MPS2). Also called: Mucopolysaccharidosis type 2; IDS deficiency; Sulfoiduronate sulfatase deficiency; SIDS deficiency; Mucopolysaccharidosis with skin involvement; Attenuated MPS (subtype; formerly known as mild MPS II). Identifiers: Orphanet 580, Orphanet 79388, MedGen C0026705, MONDO:0010674, OMIM 309900.

Submissions (2):

Variantyx, Inc.
Classification: Likely pathogenic for Mucopolysaccharidosis, MPS-II. Last evaluated: 2025-03-26. Review status: criteria provided, single submitter. Criteria: Variantyx Assertion Criteria 2022. Collection method: clinical testing. Allele origin: germline. Affected: yes.
Comment: This is a nonsynonymous variant in the IDS gene (OMIM: 300823). Pathogenic variants in this gene have been associated with X-linked mucopolysaccharidosis type II. The clinical symptoms reported for this individual are highly specific for X-linked mucopolysaccharidosis type II, which has a limited genetic etiology (PP4). An alternate amino acid change at this position (p.Pro120His) has been previously reported in similarly affected individual(s) which suggests that this residue is biologically important (PMID: 27896113) (PM5). Computational algorithms predict a deleterious effect for this variant (REVEL score: 0.959) (PP3_Moderate). This variant is absent from control populations (PM2_Supporting). Inter- and intrafamilial clinical variability has been described for X-linked mucopolysaccharidosis type II (PMID: 20301451). This variant has not been reported in individuals with IDS-related disorders in the databases available for review. Based on the current evidence, this variant is classified as likely pathogenic for X-linked mucopolysaccharidosis type II.

Revvity Omics, Revvity
Classification: Uncertain significance for Mucopolysaccharidosis, MPS-II. Last evaluated: 2024-10-15. Review status: criteria provided, single submitter. Criteria: ACMG Guidelines, 2015. Collection method: clinical testing. Allele origin: germline.